The following is an entry in ClinVar:

ClinVar aggregate classification (germline): Uncertain significance (1 of 4 stars; one submission).

Submission:

Labcorp Genetics (formerly Invitae), Labcorp
Classification: Uncertain significance. Last evaluated: 2025-10-29. Review status: criteria provided, single submitter. Criteria: Invitae Variant Classification Sherloc (09022015). Collection method: clinical testing. Allele origin: germline.
Comment: This sequence change creates a premature translational stop signal (p.Phe193Lysfs*5) in the SLC7A13 gene. It is expected to result in an absent or disrupted protein product. However, the current clinical and genetic evidence is not sufficient to establish whether loss-of-function variants in SLC7A13 cause disease. This variant is not present in population databases (gnomAD no frequency). This variant has not been reported in the literature in individuals affected with SLC7A13-related conditions. In summary, the available evidence is currently insufficient to determine the role of this variant in disease. Therefore, it has been classified as a Variant of Uncertain Significance.

NM_138817.3(SLC7A13):c.557_576dup (p.Phe193delinsLysArgArgMetTer)

Gene: SLC7A13 (solute carrier family 7 member 13; minus strand). Cytogenetic location: 8q21.3.
Variant type: Duplication.
Coding change: c.557_576dup on transcript NM_138817.3 (MANE Select); coding-DNA positions 557 to 576, 20 bases duplicated (AAAAGGAGAATGTAGAACGA).
Protein change: p.Phe193delinsLysArgArgMetTer.
Molecular consequence: nonsense.
Genome position (GRCh38, 1-based): chr8:86,229,702-86,229,721, TCGTTCTACATTCTCCTTTT duplicated on the plus strand (AAAAGGAGAATGTAGAACGA on the coding strand, the reverse complement: SLC7A13 is on the minus strand); duplicating any 20 consecutive bases within chr8:86,229,702-86,229,723 gives the same sequence; the c. name uses the placement nearest the transcript's 3' end. VCF-style (leftmost placement, unchanged base first): chr8-86229701-A-ATCGTTCTACATTCTCCTTTT. GRCh37 (hg19) VCF-style: chr8-87241930-A-ATCGTTCTACATTCTCCTTTT.
Identifiers: ClinVar variation 4727868 (VCV004727868.1).
Genomic context (GRCh38, chr8:86,229,701, plus strand): 5'-GGAAGATGGCTTGTATAAGGTGAGAGATATCTGGAAGTTCAGCATCAAAAGCATTCTGAA[A>ATCGTTCTACATTCTCCTTTT]TCGTTCTACATTCTCCTTTTTCCCTCTTATCAGGAACACTACTCCAGTTAGGGAAATGAA-3'